The following is an entry in ClinVar:

NM_000204.5(CFI):c.1051C>T (p.Leu351Phe)

Gene: CFI (complement factor I; minus strand). Cytogenetic location: 4q25.
Variant type: single nucleotide variant.
Coding change: c.1051C>T on transcript NM_000204.5 (MANE Select); coding-DNA position 1051, C replaced by T.
Protein change: p.Leu351Phe; replaces leucine 351 with phenylalanine.
Molecular consequence: missense variant. On other transcripts: non-coding transcript variant (3).
Genome position (GRCh38, 1-based): chr4:109,749,315, G>A on the plus strand (C>T on the coding strand, the complement: CFI is on the minus strand). VCF-style: chr4-109749315-G-A. GRCh37 (hg19) VCF-style: chr4-110670471-G-A.
Other names: p.Leu351Phe; c.1075C>T, p.Leu359Phe (NM_001318057.2, NM_001375278.1); c.1030C>T, p.Leu344Phe (NM_001331035.2, NM_001375280.1, NM_001375282.1); c.1051C>T, p.Leu351Phe (NM_001375279.1, NM_001375281.1); c.994C>T, p.Leu332Phe (NM_001375283.1); c.442C>T, p.Leu148Phe (NM_001375284.1); c.1051C>T (NM_000204.4); short protein forms L351F, L359F, L344F, L148F, L332F.
Identifiers: ClinVar variation 1901419 (VCV001901419.6), dbSNP rs778207739, ClinGen allele CA357858870.

ClinVar aggregate classification (germline): Uncertain significance. Review status: criteria provided, multiple submitters, no conflicts (2 of 4 stars). 2 submissions from 2 submitters: Uncertain significance (2). Last evaluated 2025-01-23.

Allele frequency attached by ClinVar (database versions not stated): TOPMed below 0.00001; gnomAD 0.00001.
gnomAD v4.1: 2 of 1,613,660 alleles (0.00012%); highest among the groups gnomAD compares: Non-Finnish European, 0.00017%; no homozygotes.

Submissions (2):

Mayo Clinic Laboratories, Mayo Clinic
Classification: Uncertain significance. Last evaluated: 2025-01-23. Review status: criteria provided, single submitter. Criteria: ACMG Guidelines, 2015. Collection method: clinical testing. Allele origin: germline. Observed: 1 variant allele.
Comment: BP4, PM2_supporting

Labcorp Genetics (formerly Invitae), Labcorp
Classification: Uncertain significance. Last evaluated: 2022-06-13. Review status: criteria provided, single submitter. Criteria: Invitae Variant Classification Sherloc (09022015). Collection method: clinical testing. Allele origin: germline.
Comment: In summary, the available evidence is currently insufficient to determine the role of this variant in disease. Therefore, it has been classified as a Variant of Uncertain Significance. Advanced modeling of protein sequence and biophysical properties (such as structural, functional, and spatial information, amino acid conservation, physicochemical variation, residue mobility, and thermodynamic stability) performed at Invitae indicates that this missense variant is not expected to disrupt CFI protein function. This variant has not been reported in the literature in individuals affected with CFI-related conditions. This variant is not present in population databases (gnomAD no frequency). This sequence change replaces leucine, which is neutral and non-polar, with phenylalanine, which is neutral and non-polar, at codon 351 of the CFI protein (p.Leu351Phe).